The following is an entry in ClinVar:

ClinVar aggregate classification (germline): Uncertain significance (0 of 4 stars; one submission).

Conditions:
UNC13A-related disorder. Also called: UNC13A-related condition.

gnomAD v4.1: 1 of 1,613,016 alleles (0.000062%); highest among the groups gnomAD compares: Non-Finnish European, 0.000085%; no homozygotes.

Submission:

PreventionGenetics, part of Exact Sciences
Classification: Uncertain significance for UNC13A-related condition. Last evaluated: 2024-05-21. Review status: no assertion criteria provided. Collection method: clinical testing. Allele origin: germline.
Comment: The UNC13A c.4268C>G variant is predicted to result in premature protein termination (p.Ser1423*). To our knowledge, this variant has not been reported in the literature or in a large population database, indicating this variant is rare. At this time, the clinical significance of this variant is uncertain due to the absence of conclusive functional and genetic evidence.

NM_001080421.3(UNC13A):c.4268C>G (p.Ser1423Ter)

Gene: UNC13A (unc-13 homolog A; minus strand). Cytogenetic location: 19p13.11.
Variant type: single nucleotide variant.
Coding change: c.4268C>G on transcript NM_001080421.3 (MANE Select); coding-DNA position 4268, C replaced by G.
Protein change: p.Ser1423Ter; replaces serine 1423 with a stop codon.
Molecular consequence: nonsense. On other transcripts: intron variant (1).
Genome position (GRCh38, 1-based): chr19:17,620,697, G>C on the plus strand (C>G on the coding strand, the complement: UNC13A is on the minus strand). VCF-style: chr19-17620697-G-C. GRCh37 (hg19) VCF-style: chr19-17731506-G-C.
Other names: c.4256C>G, p.Ser1419Ter (NM_001387021.1); c.4253C>G, p.Ser1418Ter (NM_001387022.1); c.4192-1735C>G (NM_001387023.1); short protein forms S1418*, S1419*, S1423*.
Identifiers: ClinVar variation 3345152 (VCV003345152.1).